The following is an entry in ClinVar:

NM_001035.3(RYR2):c.11501A>C (p.Glu3834Ala)

Gene: RYR2 (ryanodine receptor 2; plus strand). Cytogenetic location: 1q43.
Variant type: single nucleotide variant.
Coding change: c.11501A>C on transcript NM_001035.3 (MANE Select); coding-DNA position 11501, A replaced by C.
Protein change: p.Glu3834Ala; replaces glutamic acid 3834 with alanine.
Molecular consequence: missense variant.
Genome position (GRCh38, 1-based): chr1:237,770,831, A>C. VCF-style: chr1-237770831-A-C. GRCh37 (hg19) VCF-style: chr1-237934131-A-C.
Other names: short protein forms E3834A.
Identifiers: ClinVar variation 4758004 (VCV004758004.1).

ClinVar aggregate classification (germline): Uncertain significance (1 of 4 stars; one submission).

Conditions:
Cardiomyopathy (CMYO). Also called: Cardiomyopathies. Identifiers: Orphanet 167848, MedGen C0878544, MONDO:0004994, HP:0001638. Inheritance: Various modes of inheritance.

gnomAD v4.1: 1 of 1,554,236 alleles (0.000064%); highest among the groups gnomAD compares: East Asian, 0.0024%; no homozygotes.

Submission:

Color Diagnostics, LLC DBA Color Health
Classification: Uncertain significance for Cardiomyopathy. Last evaluated: 2025-08-26. Review status: criteria provided, single submitter. Criteria: ACMG Guidelines, 2015. Collection method: clinical testing. Allele origin: germline.
Comment: This missense variant replaces glutamic acid with alanine at codon 3834 of the RYR2 protein. Computational prediction suggests that this variant may have deleterious impact on protein structure and function. To our knowledge, functional studies have not been reported for this variant. This variant has not been reported in individuals affected with RYR2-related disorders in the literature. This variant has not been identified in the general population by the Genome Aggregation Database (gnomAD). The available evidence is insufficient to determine the role of this variant in disease conclusively. Therefore, this variant is classified as a Variant of Uncertain Significance.